The following is an entry in ClinVar:

ClinVar aggregate classification (germline): Conflicting classifications of pathogenicity. Review status: criteria provided, conflicting classifications (1 of 4 stars). 6 submissions from 6 submitters: Uncertain significance (1); Benign (1); Likely benign (4). Last evaluated 2026-01-28.

Conditions:
Tuberous sclerosis syndrome (TSC). Also called: Tuberous Sclerosis Complex; Tuberous sclerosis. Identifiers: Orphanet 805, MedGen C0041341, MONDO:0001734.
Tuberous sclerosis 2 (TSC2). Identifiers: Orphanet 805, MedGen C1860707, MONDO:0013199, OMIM 613254.

Allele frequency attached by ClinVar (database versions not stated): gnomAD exomes below 0.00001 and 0.00001; gnomAD 0.00003 and 0.00004; TOPMed 0.00003.
gnomAD v4.1: 9 of 1,608,010 alleles (0.00056%); highest among the groups gnomAD compares: African/African-American, 0.0094%; no homozygotes.

Submissions (6):

Labcorp Genetics (formerly Invitae), Labcorp
Classification: Likely benign for Tuberous sclerosis 2. Last evaluated: 2026-01-28. Review status: criteria provided, single submitter. Criteria: Invitae Variant Classification Sherloc (09022015). Collection method: clinical testing. Allele origin: germline.

Myriad Genetics, Inc.
Classification: Benign for Tuberous sclerosis 2. Last evaluated: 2024-09-05. Review status: criteria provided, single submitter. Criteria: Myriad Autosomal Dominant, Autosomal Recessive and X-Linked Classification Criteria (2023). Collection method: clinical testing. Allele origin: unknown.
Comment: This variant is considered benign. This variant is intronic and is not expected to impact mRNA splicing. This variant has been observed at a population frequency that is significantly greater than expected given the associated disease prevalence and penetrance.

All of Us Research Program, National Institutes of Health
Classification: Likely benign for Tuberous sclerosis syndrome. Last evaluated: 2023-11-30. Review status: criteria provided, single submitter. Criteria: ACMG Guidelines, 2015. Collection method: clinical testing. Allele origin: germline. Inheritance: Autosomal dominant inheritance. Observed: 3 variant alleles, 3 heterozygotes.
Comment: This study involves interpretation of variants in research participants for the purpose of population health screening. Participant phenotype was not available at the time of variant classification. Additional details can be found in publication PMID: 35346344, PMCID: PMC8962531

Genome-Nilou Lab
Classification: Likely benign for Tuberous sclerosis 2. Last evaluated: 2021-11-07. Review status: criteria provided, single submitter. Criteria: ACMG Guidelines, 2015. Collection method: clinical testing. Allele origin: germline. Affected: no.

GeneDx
Classification: Likely benign. Last evaluated: 2020-09-22. Review status: criteria provided, single submitter. Criteria: GeneDx Variant Classification Process June 2021. Collection method: clinical testing. Allele origin: germline. Affected: yes.

Eurofins Ntd Llc (ga)
Classification: Uncertain significance. Last evaluated: 2016-01-29. Review status: criteria provided, single submitter. Criteria: EGL Classification Definitions 2015. Collection method: clinical testing. Allele origin: germline. Observed: 1 variant allele, 1 heterozygote.

NM_000548.5(TSC2):c.1600-9T>C

Gene: TSC2 (TSC complex subunit 2; plus strand). Cytogenetic location: 16p13.3.
Variant type: single nucleotide variant.
Coding change: c.1600-9T>C on transcript NM_000548.5 (MANE Select); 9 bases into the intron before coding-DNA position 1600, T replaced by C.
Molecular consequence: intron variant.
Genome position (GRCh38, 1-based): chr16:2,065,510, T>C. VCF-style: chr16-2065510-T-C. GRCh37 (hg19) VCF-style: chr16-2115511-T-C.
Other names: c.1600-9T>C (NM_001114382.3, NM_021055.3, NM_001370405.1 and 3 more transcripts); c.1489-9T>C (NM_001318827.2); c.1000-9T>C (NM_001318831.2); c.1453-9T>C (NM_001318829.2); c.1633-9T>C (NM_001318832.2).
Identifiers: ClinVar variation 285953 (VCV000285953.24), dbSNP rs886043268, ClinGen allele CA10605312.